The following is an entry in ClinVar:

NC_000013.11:g.48303744G>T

Gene: RB1 (RB transcriptional corepressor 1; plus strand). Cytogenetic location: 13q14.2.
Variant type: single nucleotide variant.
Genome position: GRCh38 VCF-style: chr13-48303744-G-T. GRCh37 (hg19) VCF-style: chr13-48877880-G-T.
Identifiers: ClinVar variation 3631907 (VCV003631907.2).

ClinVar aggregate classification (germline): Uncertain significance (1 of 4 stars; one submission).

Conditions:
Retinoblastoma (RB1). Also called: RETINOBLASTOMA, SOMATIC. Identifiers: Orphanet 790, MedGen C0035335, MeSH D012175, MONDO:0008380, OMIM 180200, HP:0009919. Disease mechanism: loss of function. Inheritance: Both sporadic and heritable forms are tested..

Submission:

Labcorp Genetics (formerly Invitae), Labcorp
Classification: Uncertain significance for Retinoblastoma. Last evaluated: 2024-07-23. Review status: criteria provided, single submitter. Criteria: Invitae Variant Classification Sherloc (09022015). Collection method: clinical testing. Allele origin: germline.
Comment: This variant occurs in a non-coding region of the RB1 gene. It does not change the encoded amino acid sequence of the RB1 protein. This variant is not present in population databases (gnomAD no frequency). This variant has not been reported in the literature in individuals affected with RB1-related conditions. Experimental studies and prediction algorithms are not available or were not evaluated, and the functional significance of this variant is currently unknown. In summary, the available evidence is currently insufficient to determine the role of this variant in disease. Therefore, it has been classified as a Variant of Uncertain Significance.